The following is an entry in ClinVar:

NM_003803.4(MYOM1):c.579_632del (p.Lys194_Ser211del)

Gene: MYOM1 (myomesin 1; minus strand). Cytogenetic location: 18p11.31.
Variant type: Deletion.
Coding change: c.579_632del on transcript NM_003803.4 (MANE Select); coding-DNA positions 579 to 632, 54 bases deleted.
Protein change: p.Lys194_Ser211del.
Molecular consequence: inframe deletion.
Genome position (GRCh38, 1-based): chr18:3,188,887-3,188,940, 54 bases deleted. GRCh37 (hg19): chr18:3,188,895-3,188,948.
Other names: c.579_632del, p.Lys194_Ser211del (NM_019856.2).
Identifiers: ClinVar variation 1009058 (VCV001009058.8), dbSNP rs2080863291, ClinGen allele CA8875192.

ClinVar aggregate classification (germline): Uncertain significance (1 of 4 stars; one submission).

Conditions:
Hypertrophic cardiomyopathy. Also called: HYPERTROPHIC MYOCARDIOPATHY. Identifiers: Orphanet 217569, MedGen C0007194, MeSH D002312, MONDO:0005045, HP:0001639.

Submission:

Labcorp Genetics (formerly Invitae), Labcorp
Classification: Uncertain significance for Hypertrophic cardiomyopathy. Last evaluated: 2020-06-04. Review status: criteria provided, single submitter. Criteria: Invitae Variant Classification Sherloc (09022015). Collection method: clinical testing. Allele origin: germline.
Comment: The frequency data for this variant in the population databases is considered unreliable, as metrics indicate poor data quality at this position in the ExAC database. This variant has not been reported in the literature in individuals with MYOM1-related conditions. Experimental studies and prediction algorithms are not available or were not evaluated, and the functional significance of this variant is currently unknown. In summary, the available evidence is currently insufficient to determine the role of this variant in disease. Therefore, it has been classified as a Variant of Uncertain Significance. This variant, c.579_632del, results in the deletion of 18 amino acid(s) of the MYOM1 protein (p.Lys194_Ser211del), but otherwise preserves the integrity of the reading frame.